The following is an entry in ClinVar:

NM_001374736.1(DST):c.688-6T>G

Gene: DST (dystonin; minus strand). Cytogenetic location: 6p12.1.
Variant type: single nucleotide variant.
Coding change: c.688-6T>G on transcript NM_001374736.1 (MANE Select); 6 bases into the intron before coding-DNA position 688, T replaced by G.
Molecular consequence: intron variant.
Genome position (GRCh38, 1-based): chr6:56,704,375, A>C on the plus strand (T>G on the coding strand, the complement: DST is on the minus strand). VCF-style: chr6-56704375-A-C. GRCh37 (hg19) VCF-style: chr6-56569173-A-C.
Other names: c.688-6T>G (NM_001144769.5, NM_001374722.1); c.715-6T>G (NM_001374734.1); c.274-6T>G (NM_001144770.2); c.154-6T>G (NM_001374730.1, NM_001386100.1, NM_183380.4 and 1 more transcripts).
Identifiers: ClinVar variation 3051292 (VCV003051292.2), dbSNP rs745583664, ClinGen allele CA3871867.

ClinVar aggregate classification (germline): Likely benign (0 of 4 stars; one submission).

Conditions:
DST-related disorder. Also called: DST-related condition; DST-related disorders.

Allele frequency attached by ClinVar (database versions not stated): gnomAD 0.00001; gnomAD exomes 0.00001; TOPMed 0.00002.
gnomAD v4.1: 9 of 1,484,808 alleles (0.00061%); highest among the groups gnomAD compares: Admixed American, 0.019%; no homozygotes.

Submission:

PreventionGenetics, part of Exact Sciences
Classification: Likely benign for DST-related condition. Last evaluated: 2019-02-26. Review status: no assertion criteria provided. Collection method: clinical testing. Allele origin: germline.
Comment: This variant is classified as likely benign based on ACMG/AMP sequence variant interpretation guidelines (Richards et al. 2015 PMID: 25741868, with internal and published modifications).